The following is an entry in ClinVar:

ClinVar aggregate classification (germline): Uncertain significance (1 of 4 stars; one submission).

gnomAD v4.1: 1 of 1,613,868 alleles (0.000062%); highest among the groups gnomAD compares: Non-Finnish European, 0.000085%; no homozygotes.

Submission:

Dasa
Classification: Uncertain significance. Last evaluated: 2025-12-31. Review status: criteria provided, single submitter. Criteria: DASA Assertion Criteria. Collection method: clinical testing. Allele origin: germline.
Comment: NM_001305878.2(KAT6A):c.2443G>A (p.Ala815Thr) is a missense variant that results in the substitution of alanine with threonine. This variant is rare in population databases. Computational prediction algorithms are consistent with a benign effect. The currently available literature and clinical evidence are not sufficient to establish a definitive association between this variant and the reported condition. Therefore, this variant is classified as a variant of uncertain significance.

NM_006766.5(KAT6A):c.2436+7G>A

Gene: KAT6A (lysine acetyltransferase 6A; minus strand). Cytogenetic location: 8p11.21.
Variant type: single nucleotide variant.
Coding change: c.2436+7G>A on transcript NM_006766.5 (MANE Select); 7 bases into the intron after coding-DNA position 2436, G replaced by A.
Molecular consequence: intron variant. On other transcripts: missense variant (1).
Genome position (GRCh38, 1-based): chr8:41,942,786, C>T on the plus strand (G>A on the coding strand, the complement: KAT6A is on the minus strand). VCF-style: chr8-41942786-C-T. GRCh37 (hg19) VCF-style: chr8-41800304-C-T.
Other names: c.2443G>A, p.Ala815Thr (NM_001305878.2); short protein forms A815T.
Identifiers: ClinVar variation 4885059 (VCV004885059.2).